The following is an entry in ClinVar:

ClinVar aggregate classification (germline): Uncertain significance (1 of 4 stars; one submission).

Conditions:
Fanconi anemia (FA). Also called: Fanconi's anemia. Identifiers: Orphanet 84, MedGen C0015625, MeSH D005199, MONDO:0019391.

gnomAD v4.1: 2 of 1,614,086 alleles (0.00012%); highest among the groups gnomAD compares: Non-Finnish European, 0.00017%; no homozygotes.

Submission:

Labcorp Genetics (formerly Invitae), Labcorp
Classification: Uncertain significance for Fanconi anemia. Last evaluated: 2023-05-26. Review status: criteria provided, single submitter. Criteria: Invitae Variant Classification Sherloc (09022015). Collection method: clinical testing. Allele origin: germline.
Comment: This sequence change replaces alanine, which is neutral and non-polar, with glutamic acid, which is acidic and polar, at codon 816 of the FANCA protein (p.Ala816Glu). This variant has not been reported in the literature in individuals affected with FANCA-related conditions. In summary, the available evidence is currently insufficient to determine the role of this variant in disease. Therefore, it has been classified as a Variant of Uncertain Significance. Advanced modeling of protein sequence and biophysical properties (such as structural, functional, and spatial information, amino acid conservation, physicochemical variation, residue mobility, and thermodynamic stability) performed at Invitae indicates that this missense variant is not expected to disrupt FANCA protein function. This variant is not present in population databases (gnomAD no frequency).

NM_000135.4(FANCA):c.2447C>A (p.Ala816Glu)

Gene: FANCA (FA complementation group A; minus strand). Cytogenetic location: 16q24.3.
Variant type: single nucleotide variant.
Coding change: c.2447C>A on transcript NM_000135.4 (MANE Select); coding-DNA position 2447, C replaced by A.
Protein change: p.Ala816Glu; replaces alanine 816 with glutamic acid.
Molecular consequence: missense variant.
Genome position (GRCh38, 1-based): chr16:89,769,894, G>T on the plus strand (C>A on the coding strand, the complement: FANCA is on the minus strand). VCF-style: chr16-89769894-G-T. GRCh37 (hg19) VCF-style: chr16-89836302-G-T.
Other names: c.2447C>A, p.Ala816Glu (NM_001286167.3); short protein forms A816E.
Identifiers: ClinVar variation 2961591 (VCV002961591.3), dbSNP rs756082739, ClinGen allele CA286564361.